The following is an entry in ClinVar:

ClinVar aggregate classification (germline): Likely benign. Review status: criteria provided, multiple submitters, no conflicts (2 of 4 stars). 3 submissions from 3 submitters: Likely benign (2). 1 of the submissions does not count toward it. Last evaluated 2025-08-04.

Conditions:
Inborn genetic diseases. Identifiers: MedGen C0950123, MeSH D030342.
DNMT3A-related disorder. Also called: DNMT3A-related disorders; DNMT3A-related condition.
Tatton-Brown-Rahman overgrowth syndrome. Also called: Tatton-Brown-Rahman syndrome; Tall stature-intellectual disability-facial dysmorphism syndrome. Identifiers: Orphanet 404443, MedGen C4014545, MONDO:0014382, OMIM 615879.

Allele frequency attached by ClinVar (database versions not stated): gnomAD exomes below 0.00001.
gnomAD v4.1: 2 of 1,613,520 alleles (0.00012%); highest among the groups gnomAD compares: Non-Finnish European, 0.00017%; no homozygotes.

Submissions (3):

Ambry Genetics
Classification: Likely benign for Inborn genetic diseases. Last evaluated: 2025-08-04. Review status: criteria provided, single submitter. Criteria: Ambry Variant Classification Scheme 2023. Collection method: clinical testing. Allele origin: germline.

Labcorp Genetics (formerly Invitae), Labcorp
Classification: Likely benign for Tatton-Brown-Rahman overgrowth syndrome. Last evaluated: 2023-12-28. Review status: criteria provided, single submitter. Criteria: Invitae Variant Classification Sherloc (09022015). Collection method: clinical testing. Allele origin: germline.

PreventionGenetics, part of Exact Sciences
Classification: Likely benign for DNMT3A-related condition. Last evaluated: 2022-12-08. Review status: no assertion criteria provided. Collection method: clinical testing. Allele origin: germline. Not counted in ClinVar's aggregate classification.
Comment: This variant is classified as likely benign based on ACMG/AMP sequence variant interpretation guidelines (Richards et al. 2015 PMID: 25741868, with internal and published modifications).

NM_022552.5(DNMT3A):c.2037G>C (p.Gly679=)

Gene: DNMT3A (DNA methyltransferase 3 alpha; minus strand). Cytogenetic location: 2p23.3.
Variant type: single nucleotide variant.
Coding change: c.2037G>C on transcript NM_022552.5 (MANE Select); coding-DNA position 2037, G replaced by C.
Protein change: p.Gly679=; no amino-acid change (glycine 679 retained).
Molecular consequence: synonymous variant. On other transcripts: non-coding transcript variant (1).
Genome position (GRCh38, 1-based): chr2:25,241,607, C>G on the plus strand (G>C on the coding strand, the complement: DNMT3A is on the minus strand). VCF-style: chr2-25241607-C-G. GRCh37 (hg19) VCF-style: chr2-25464476-C-G.
Other names: c.1581G>C, p.Gly527= (NM_001320893.1); c.1368G>C, p.Gly456= (NM_001375819.1); c.1470G>C, p.Gly490= (NM_153759.3); c.2037G>C, p.Gly679= (NM_175629.2); c.2037G>C (NM_022552.3).
Identifiers: ClinVar variation 2723079 (VCV002723079.5), dbSNP rs1398860004, ClinGen allele CA425181862.